The following is an entry in ClinVar:

NM_018055.5(NODAL):c.904C>T (p.Arg302Cys)

Gene: NODAL (nodal growth differentiation factor; minus strand). Cytogenetic location: 10q22.1.
Variant type: single nucleotide variant.
Coding change: c.904C>T on transcript NM_018055.5 (MANE Select); coding-DNA position 904, C replaced by T.
Protein change: p.Arg302Cys; replaces arginine 302 with cysteine.
Molecular consequence: missense variant.
Genome position (GRCh38, 1-based): chr10:70,433,076, G>A on the plus strand (C>T on the coding strand, the complement: NODAL is on the minus strand). VCF-style: chr10-70433076-G-A. GRCh37 (hg19) VCF-style: chr10-72192832-G-A.
Other names: c.505C>T, p.Arg169Cys (NM_001329906.2); short protein forms R302C, R169C.
Identifiers: ClinVar variation 95883 (VCV000095883.52), dbSNP rs150819707, ClinGen allele CA223517.

ClinVar aggregate classification (germline): Conflicting classifications of pathogenicity. Review status: criteria provided, conflicting classifications (1 of 4 stars). 8 submissions from 7 submitters: Uncertain significance (1); Likely benign (7). Last evaluated 2026-06-01.

Conditions:
Holoprosencephaly sequence (HPE). Also called: Holoprosencephaly. Identifiers: Orphanet 2162, MedGen C0079541, MONDO:0016296, HP:0001360.
Heterotaxy, visceral, 5, autosomal (HTX5). Also called: Heterotaxy, visceral, 5. Identifiers: Orphanet 450, MedGen C3495537, MONDO:0700112, OMIM 270100.

Allele frequency attached by ClinVar (database versions not stated): gnomAD 0.00051; 1000 Genomes Project 0.00040; TOPMed 0.00057; ESP Exome Variant Server 0.00092; 1000 Genomes Project 30x 0.00047; gnomAD exomes 0.00056 and 0.00096; ExAC 0.00058.
gnomAD v4.1: 1,483 of 1,613,944 alleles (0.092%); highest among the groups gnomAD compares: Non-Finnish European, 0.11%; no homozygotes.

Submissions (8):

CeGaT Center for Human Genetics Tuebingen
Classification: Likely benign. Last evaluated: 2026-06-01. Review status: criteria provided, single submitter. Criteria: CeGaT Center For Human Genetics Tuebingen Variant Classification Criteria Version 2. Collection method: clinical testing. Allele origin: germline. Affected: yes. Observed: 2 variant alleles.
Comment: NODAL: BP4, BS1

Labcorp Genetics (formerly Invitae), Labcorp
Classification: Likely benign for Heterotaxy, visceral, 5, autosomal. Last evaluated: 2025-09-22. Review status: criteria provided, single submitter. Criteria: Invitae Variant Classification Sherloc (09022015). Collection method: clinical testing. Allele origin: germline.

Blueprint Genetics
Classification: Likely benign. Last evaluated: 2024-09-25. Review status: criteria provided, single submitter. Criteria: ACMG Guidelines, 2015. Collection method: clinical testing. Allele origin: germline.

Illumina Laboratory Services, Illumina
Classification: Likely benign for Holoprosencephaly sequence. Last evaluated: 2017-04-27. Review status: criteria provided, single submitter. Criteria: ICSL Variant Classification Criteria 13 December 2019. Collection method: clinical testing. Allele origin: germline.
Comment: This variant was observed as part of a predisposition screen in an ostensibly healthy population. A literature search was performed for the gene, cDNA change, and amino acid change (where applicable). Publications were found based on this search. The evidence from the literature, in combination with allele frequency data from public databases where available, was sufficient to determine this variant is unlikely to cause disease. Therefore, this variant is classified as likely benign.

Illumina Laboratory Services, Illumina
Classification: Likely benign for Heterotaxy, visceral, 5, autosomal. Last evaluated: 2017-04-27. Review status: criteria provided, single submitter. Criteria: ICSL Variant Classification Criteria 13 December 2019. Collection method: clinical testing. Allele origin: germline.
Comment: This variant was observed as part of a predisposition screen in an ostensibly healthy population. A literature search was performed for the gene, cDNA change, and amino acid change (where applicable). No publications were found based on this search. Allele frequency data from public databases allowed determination this variant is unlikely to cause disease. Therefore, this variant is classified as likely benign.

GeneDx
Classification: Likely benign. Last evaluated: 2016-11-03. Review status: criteria provided, single submitter. Criteria: GeneDx Variant Classification (06012015). Collection method: clinical testing. Allele origin: germline. Affected: yes.
Comment: This variant is considered likely benign or benign based on one or more of the following criteria: it is a conservative change, it occurs at a poorly conserved position in the protein, it is predicted to be benign by multiple in silico algorithms, and/or has population frequency not consistent with disease.

Eurofins Ntd Llc (ga)
Classification: Uncertain significance. Last evaluated: 2013-05-09. Review status: criteria provided, single submitter. Criteria: EGL Classification Definitions 2015. Collection method: clinical testing. Allele origin: germline. Observed: 1 variant allele, 1 heterozygote.

PreventionGenetics, part of Exact Sciences
Classification: Likely benign. Review status: criteria provided, single submitter. Criteria: ACMG Guidelines, 2015. Collection method: clinical testing. Allele origin: germline.

Literature cited by the submitters: PubMed 19553149 (cited by Illumina Laboratory Services, Illumina and Eurofins Ntd Llc (ga)).